The following is an entry in ClinVar:

NM_000038.6(APC):c.583C>G (p.Gln195Glu)

Gene: APC (APC regulator of Wnt signaling pathway; plus strand). Cytogenetic location: 5q22.2.
Variant type: single nucleotide variant.
Coding change: c.583C>G on transcript NM_000038.6 (MANE Select); coding-DNA position 583, C replaced by G.
Protein change: p.Gln195Glu; replaces glutamine 195 with glutamic acid.
Molecular consequence: missense variant. On other transcripts: 5 prime UTR variant (1).
Genome position (GRCh38, 1-based): chr5:112,780,841, C>G. VCF-style: chr5-112780841-C-G. GRCh37 (hg19) VCF-style: chr5-112116538-C-G.
Other names: c.583C>G, p.Gln195Glu (NM_001127510.3, NM_001354895.2, NM_001354896.2 and 2 more transcripts); c.613C>G, p.Gln205Glu (NM_001127511.3, NM_001354897.2, NM_001354902.2); c.508C>G, p.Gln170Glu (NM_001354898.2, NM_001354904.2); c.406C>G, p.Gln136Glu (NM_001354900.2, NM_001354901.2, NM_001354905.2); c.-453C>G (NM_001354906.2); short protein forms Q205E, Q195E, Q170E, Q136E.
Identifiers: ClinVar variation 537423 (VCV000537423.15), dbSNP rs749479682, ClinGen allele CA043181.

ClinVar aggregate classification (germline): Uncertain significance. Review status: criteria provided, multiple submitters, no conflicts (2 of 4 stars). 2 submissions from 2 submitters: Uncertain significance (2). Last evaluated 2026-04-23.

Conditions:
Hereditary cancer-predisposing syndrome. Also called: Tumor predisposition; Hereditary neoplastic syndrome; Neoplastic Syndromes, Hereditary; Hereditary Cancer Syndrome. Identifiers: Orphanet 140162, MedGen C0027672, MeSH D009386, MONDO:0015356.
Familial adenomatous polyposis 1 (FAP1). Also called: POLYPOSIS, ADENOMATOUS INTESTINAL; FAMILIAL ADENOMATOUS POLYPOSIS 1, ATTENUATED. Identifiers: MedGen C2713442, MONDO:0021056, OMIM 175100. Disease mechanism: loss of function.

Allele frequency attached by ClinVar (database versions not stated): TOPMed below 0.00001; ExAC 0.00001; gnomAD exomes below 0.00001.
gnomAD v4.1: 3 of 1,613,384 alleles (0.00019%); highest among the groups gnomAD compares: African/African-American, 0.0013%; no homozygotes.

Submissions (2):

Ambry Genetics
Classification: Uncertain significance for Hereditary cancer-predisposing syndrome. Last evaluated: 2026-04-23. Review status: criteria provided, single submitter. Criteria: Ambry Variant Classification Scheme 2023. Collection method: clinical testing. Allele origin: germline.
Comment: The p.Q195E variant (also known as c.583C>G), located in coding exon 5 of the APC gene, results from a C to G substitution at nucleotide position 583. The glutamine at codon 195 is replaced by glutamic acid, an amino acid with highly similar properties. This amino acid position is highly conserved in available vertebrate species. In addition, in silico predictors for this gene do not accurately predict pathogenicity. Missense alterations in APC are not a common cause of disease (Spier I et al. Genet Med. 2024 Feb;26(2):100992). Based on the available evidence, the clinical significance of this variant remains unclear.

Labcorp Genetics (formerly Invitae), Labcorp
Classification: Uncertain significance for Familial adenomatous polyposis 1. Last evaluated: 2025-10-01. Review status: criteria provided, single submitter. Criteria: Invitae Variant Classification Sherloc (09022015). Collection method: clinical testing. Allele origin: germline.
Comment: This sequence change replaces glutamine, which is neutral and polar, with glutamic acid, which is acidic and polar, at codon 195 of the APC protein (p.Gln195Glu). This variant is present in population databases (rs749479682, gnomAD 0.007%). This variant has not been reported in the literature in individuals affected with APC-related conditions. ClinVar contains an entry for this variant (Variation ID: 537423). Invitae Evidence Modeling of protein sequence and biophysical properties (such as structural, functional, and spatial information, amino acid conservation, physicochemical variation, residue mobility, and thermodynamic stability) indicates that this missense variant is not expected to disrupt APC protein function with a negative predictive value of 95%. In summary, the available evidence is currently insufficient to determine the role of this variant in disease. Therefore, it has been classified as a Variant of Uncertain Significance.